The following is an entry in ClinVar:

ClinVar aggregate classification (germline): Likely benign. Review status: criteria provided, multiple submitters, no conflicts (2 of 4 stars). 2 submissions from 2 submitters: Likely benign (2). Last evaluated 2024-03-13.

Conditions:
Hereditary sensory and autonomic neuropathy type 6. Also called: HSAN VI; Neuropathy, hereditary sensory and autonomic, type VI. Identifiers: Orphanet 314381, MedGen C3539003, MONDO:0013839, OMIM 614653.
Epidermolysis bullosa simplex 3, localized or generalized intermediate, with BP230 deficiency (EBS3). Also called: Epidermolysis bullosa simplex, autosomal recessive 2; Epidermolysis bullosa simplex due to BP230 deficiency. Identifiers: Orphanet 412181, MedGen C3809470, MONDO:0014180, OMIM 615425.

Allele frequency attached by ClinVar (database versions not stated): gnomAD 0.00002; TOPMed 0.00002; gnomAD exomes 0.00004 and 0.00005; ExAC 0.00011.
gnomAD v4.1: 26 of 1,611,370 alleles (0.0016%); highest among the groups gnomAD compares: Non-Finnish European, 0.0021%; no homozygotes.

Submissions (2):

Labcorp Genetics (formerly Invitae), Labcorp
Classification: Likely benign for Epidermolysis bullosa simplex 3, localized or generalized intermediate, with BP230 deficiency; Hereditary sensory and autonomic neuropathy type 6. Last evaluated: 2024-03-13. Review status: criteria provided, single submitter. Criteria: Invitae Variant Classification Sherloc (09022015). Collection method: clinical testing. Allele origin: germline.

CeGaT Center for Human Genetics Tuebingen
Classification: Likely benign. Last evaluated: 2022-06-01. Review status: criteria provided, single submitter. Criteria: CeGaT Center For Human Genetics Tuebingen Variant Classification Criteria Version 2. Collection method: clinical testing. Allele origin: germline. Affected: yes. Observed: 1 variant allele.
Comment: DST: BP4, BP7

NM_001374736.1(DST):c.22377T>C (p.Asp7459=)

Gene: DST (dystonin; minus strand). Cytogenetic location: 6p12.1.
Variant type: single nucleotide variant.
Coding change: c.22377T>C on transcript NM_001374736.1 (MANE Select); coding-DNA position 22377, T replaced by C.
Protein change: p.Asp7459=; no amino-acid change (aspartic acid 7459 retained).
Molecular consequence: synonymous variant.
Genome position (GRCh38, 1-based): chr6:56,470,227, A>G on the plus strand (T>C on the coding strand, the complement: DST is on the minus strand). VCF-style: chr6-56470227-A-G. GRCh37 (hg19) VCF-style: chr6-56335025-A-G.
Other names: c.16020T>C, p.Asp5340= (NM_001144769.5); c.15606T>C, p.Asp5202= (NM_001144770.2); c.22377T>C, p.Asp7459= (NM_001374722.1); c.21417T>C, p.Asp7139= (NM_001374729.1); c.15159T>C, p.Asp5053= (NM_001374730.1); c.22404T>C, p.Asp7468= (NM_001374734.1); c.15486T>C, p.Asp5162= (NM_001386100.1, NM_183380.4); c.14508T>C, p.Asp4836= (NM_015548.5).
Identifiers: ClinVar variation 1579608 (VCV001579608.32), dbSNP rs757599796, ClinGen allele CA3866275.